The following is an entry in ClinVar:

NM_003119.4(SPG7):c.*362C>T

Gene: SPG7 (SPG7 matrix AAA peptidase subunit, paraplegin; plus strand). Cytogenetic location: 16q24.3.
Variant type: single nucleotide variant.
Coding change: c.*362C>T on transcript NM_003119.4 (MANE Select); 362 bases downstream of the stop codon, C replaced by T.
Molecular consequence: 3 prime UTR variant.
Genome position (GRCh38, 1-based): chr16:89,557,455, C>T. VCF-style: chr16-89557455-C-T. GRCh37 (hg19) VCF-style: chr16-89623863-C-T.
Other names: c.*528C>T (NM_001363850.1).
Identifiers: ClinVar variation 321294 (VCV000321294.5), dbSNP rs111725561, ClinGen allele CA10648363.

ClinVar aggregate classification (germline): Likely benign (1 of 4 stars; one submission).

Conditions:
Hereditary spastic paraplegia 7 (SPG7). Also called: SPG7-related neurologic disorder; Autosomal recessive spastic paraplegia type 7; SPASTIC PARAPLEGIA 7, AUTOSOMAL RECESSIVE, WITH OR WITHOUT CEREBELLAR ATAXIA; Spastic paraplegia 7; Hereditary spastic paraplegia Paraplegin type. Identifiers: Orphanet 99013, MedGen C1846564, MONDO:0011803, OMIM 607259.

Allele frequency attached by ClinVar (database versions not stated): gnomAD exomes 0.00084; gnomAD 0.00697 and 0.00744; 1000 Genomes Project 30x 0.00796; 1000 Genomes Project 0.00799; TOPMed 0.00830.
gnomAD v4.1: 1,182 of 307,188 alleles (0.38%); highest among the groups gnomAD compares: African/African-American, 2.4%; 13 homozygotes.

Submission:

Illumina Laboratory Services, Illumina
Classification: Likely benign for Hereditary spastic paraplegia 7. Last evaluated: 2018-01-12. Review status: criteria provided, single submitter. Criteria: ICSL Variant Classification Criteria 13 December 2019. Collection method: clinical testing. Allele origin: germline.
Comment: This variant was observed in the ICSL laboratory as part of a predisposition screen in an ostensibly healthy population. It had not been previously curated by ICSL or reported in the Human Gene Mutation Database (HGMD: prior to June 1st, 2018), and was therefore a candidate for classification through an automated scoring system. Utilizing variant allele frequency, disease prevalence and penetrance estimates, and inheritance mode, an automated score was calculated to assess if this variant is too frequent to cause the disease. Based on the score and internal cut-off values, a variant classified as likely benign is not then subjected to further curation. The score for this variant resulted in a classification of likely benign for this disease.